The following is an entry in ClinVar:

ClinVar aggregate classification (germline): Uncertain significance (1 of 4 stars; one submission).

Conditions:
Neurofibromatosis, type 1 (NF1). Also called: VON RECKLINGHAUSEN DISEASE; NEUROFIBROMATOSIS, TYPE I, SOMATIC; Peripheral type neurofibromatosis; Neurofibromatosis, type I. Identifiers: Orphanet 636, MedGen C0027831, MONDO:0018975, OMIM 162200. Disease mechanism: loss of function.

Submission:

Labcorp Genetics (formerly Invitae), Labcorp
Classification: Uncertain significance for Neurofibromatosis, type 1. Last evaluated: 2019-10-19. Review status: criteria provided, single submitter. Criteria: Invitae Variant Classification Sherloc (09022015). Collection method: clinical testing. Allele origin: germline.
Comment: This sequence change falls in intron 28 of the NF1 gene. It does not directly change the encoded amino acid sequence of the NF1 protein. In summary, the available evidence is currently insufficient to determine the role of this variant in disease. Therefore, it has been classified as a Variant of Uncertain Significance. Algorithms developed to predict the effect of sequence changes on RNA splicing suggest that this variant may disrupt the consensus splice site, but this prediction has not been confirmed by published transcriptional studies. This variant has not been reported in the literature in individuals with NF1-related disease. This variant is not present in population databases (ExAC no frequency).

NM_001042492.3(NF1):c.3871-5T>G

Gene: NF1 (neurofibromin 1; plus strand). Cytogenetic location: 17q11.2.
Variant type: single nucleotide variant.
Coding change: c.3871-5T>G on transcript NM_001042492.3 (MANE Select); 5 bases into the intron before coding-DNA position 3871, T replaced by G.
Molecular consequence: intron variant.
Genome position (GRCh38, 1-based): chr17:31,235,913, T>G. VCF-style: chr17-31235913-T-G. GRCh37 (hg19) VCF-style: chr17-29562931-T-G.
Other names: c.3871-5T>G (NM_000267.4).
Identifiers: ClinVar variation 656635 (VCV000656635.7), dbSNP rs1597722882, ClinGen allele CA915949948.